The following is an entry in ClinVar:

ClinVar aggregate classification (germline): Uncertain significance. Review status: criteria provided, multiple submitters, no conflicts (2 of 4 stars). 3 submissions from 3 submitters: Uncertain significance (3). Last evaluated 2024-12-29.

Conditions:
Inborn genetic diseases. Identifiers: MedGen C0950123, MeSH D030342.

Allele frequency attached by ClinVar (database versions not stated): gnomAD exomes below 0.00001 and 0.00002.
gnomAD v4.1: 26 of 1,610,710 alleles (0.0016%); highest among the groups gnomAD compares: Non-Finnish European, 0.0022%; no homozygotes.

Submissions (3):

Ambry Genetics
Classification: Uncertain significance for Inborn genetic diseases. Last evaluated: 2024-12-29. Review status: criteria provided, single submitter. Criteria: Ambry Variant Classification Scheme 2023. Collection method: clinical testing. Allele origin: germline.
Comment: The p.S1538Y variant (also known as c.4613C>A), located in coding exon 31 of the ANKRD26 gene, results from a C to A substitution at nucleotide position 4613. The serine at codon 1538 is replaced by tyrosine, an amino acid with dissimilar properties. This amino acid position is conserved. In addition, this alteration is predicted to be tolerated by in silico analysis. Based on the available evidence, the clinical significance of this variant remains unclear.

Labcorp Genetics (formerly Invitae), Labcorp
Classification: Uncertain significance. Last evaluated: 2024-11-05. Review status: criteria provided, single submitter. Criteria: Invitae Variant Classification Sherloc (09022015). Collection method: clinical testing. Allele origin: germline.
Comment: This sequence change replaces serine, which is neutral and polar, with tyrosine, which is neutral and polar, at codon 1538 of the ANKRD26 protein (p.Ser1538Tyr). This variant is present in population databases (no rsID available, gnomAD 0.0009%). This variant has not been reported in the literature in individuals affected with ANKRD26-related conditions. ClinVar contains an entry for this variant (Variation ID: 1314235). An algorithm developed to predict the effect of missense changes on protein structure and function outputs the following: PolyPhen-2: "Benign". The tyrosine amino acid residue is found in multiple mammalian species, which suggests that this missense change does not adversely affect protein function. In summary, the available evidence is currently insufficient to determine the role of this variant in disease. Therefore, it has been classified as a Variant of Uncertain Significance.

GeneDx
Classification: Uncertain significance. Last evaluated: 2021-03-24. Review status: criteria provided, single submitter. Criteria: GeneDx Variant Classification Process June 2021. Collection method: clinical testing. Allele origin: germline. Affected: yes.
Comment: Not observed at a significant frequency in large population cohorts (Lek et al., 2016); In silico analysis supports that this missense variant has a deleterious effect on protein structure/function; Has not been previously published as pathogenic or benign to our knowledge

NM_014915.3(ANKRD26):c.4613C>A (p.Ser1538Tyr)

Gene: ANKRD26 (ankyrin repeat domain 26; minus strand). Cytogenetic location: 10p12.1.
Variant type: single nucleotide variant.
Coding change: c.4613C>A on transcript NM_014915.3 (MANE Select); coding-DNA position 4613, C replaced by A.
Protein change: p.Ser1538Tyr; replaces serine 1538 with tyrosine.
Molecular consequence: missense variant.
Genome position (GRCh38, 1-based): chr10:27,014,605, G>T on the plus strand (C>A on the coding strand, the complement: ANKRD26 is on the minus strand). VCF-style: chr10-27014605-G-T. GRCh37 (hg19) VCF-style: chr10-27303534-G-T.
Other names: c.4610C>A, p.Ser1537Tyr (NM_001256053.2); short protein forms S1537Y, S1538Y.
Identifiers: ClinVar variation 1314235 (VCV001314235.6), dbSNP rs1250283542, ClinGen allele CA376356559.
Genomic context (GRCh38, chr10:27,014,605, plus strand): 5'-AGTTGCTTATATTTTTCCAGTTCGGTTTTATTAAAGTCTTCTTGAGAAGTTTTTATTTTG[G>T]AGAGTTCAGATTCCAGATCTTTAATTCTGAGTTCCATCTGACTTTTCATTGAAGCAAAAT-3'
Protein context (NP_055730.2, residues 1528-1548): LRIKDLESEL[Ser1538Tyr]KIKTSQEDFN